The following is an entry in ClinVar:

ClinVar aggregate classification (germline): Uncertain significance (1 of 4 stars; one submission).

Conditions:
Inborn genetic diseases. Identifiers: MedGen C0950123, MeSH D030342.

Submission:

Ambry Genetics
Classification: Uncertain significance for Inborn genetic diseases. Last evaluated: 2024-11-27. Review status: criteria provided, single submitter. Criteria: Ambry Variant Classification Scheme 2023. Collection method: clinical testing. Allele origin: germline.
Comment: The p.A718T variant (also known as c.2152G>A), located in coding exon 13 of the EPAS1 gene, results from a G to A substitution at nucleotide position 2152. The alanine at codon 718 is replaced by threonine, an amino acid with similar properties. This amino acid position is conserved. In addition, this alteration is predicted to be tolerated by in silico analysis. Based on the available evidence, the clinical significance of this variant remains unclear.

NM_001430.5(EPAS1):c.2152G>A (p.Ala718Thr)

Gene: EPAS1 (endothelial PAS domain protein 1; plus strand). Cytogenetic location: 2p21.
Variant type: single nucleotide variant.
Coding change: c.2152G>A on transcript NM_001430.5 (MANE Select); coding-DNA position 2152, G replaced by A.
Protein change: p.Ala718Thr; replaces alanine 718 with threonine.
Molecular consequence: missense variant.
Genome position (GRCh38, 1-based): chr2:46,381,702, G>A. VCF-style: chr2-46381702-G-A. GRCh37 (hg19) VCF-style: chr2-46608841-G-A.
Other names: short protein forms A718T.
Identifiers: ClinVar variation 3509024 (VCV003509024.1).